The following is an entry in ClinVar:

ClinVar aggregate classification (germline): Uncertain significance (1 of 4 stars; one submission).

Allele frequency attached by ClinVar (database versions not stated): gnomAD exomes 0.00001 and 0.00002; ExAC 0.00002; gnomAD 0.00002.

Submission:

Labcorp Genetics (formerly Invitae), Labcorp
Classification: Uncertain significance. Last evaluated: 2021-07-17. Review status: criteria provided, single submitter. Criteria: Invitae Variant Classification Sherloc (09022015). Collection method: clinical testing. Allele origin: germline.
Comment: This sequence change replaces valine with methionine at codon 339 of the ATP4A protein (p.Val339Met). The valine residue is highly conserved and there is a small physicochemical difference between valine and methionine. In summary, the available evidence is currently insufficient to determine the role of this variant in disease. Therefore, it has been classified as a Variant of Uncertain Significance. Algorithms developed to predict the effect of missense changes on protein structure and function are either unavailable or do not agree on the potential impact of this missense change (SIFT: "Deleterious"; PolyPhen-2: "Probably Damaging"; Align-GVGD: "Class C0"). This variant has not been reported in the literature in individuals affected with ATP4A-related conditions. This variant is present in population databases (rs775185676, ExAC 0.02%).

NM_000704.3(ATP4A):c.1015G>A (p.Val339Met)

Gene: ATP4A (ATPase H+/K+ transporting subunit alpha; minus strand). Cytogenetic location: 19q13.12.
Variant type: single nucleotide variant.
Coding change: c.1015G>A on transcript NM_000704.3 (MANE Select); coding-DNA position 1015, G replaced by A.
Protein change: p.Val339Met; replaces valine 339 with methionine.
Molecular consequence: missense variant.
Genome position (GRCh38, 1-based): chr19:35,559,846, C>T on the plus strand (G>A on the coding strand, the complement: ATP4A is on the minus strand). VCF-style: chr19-35559846-C-T. GRCh37 (hg19) VCF-style: chr19-36050748-C-T.
Other names: short protein forms V339M.
Identifiers: ClinVar variation 1510662 (VCV001510662.8), dbSNP rs775185676, ClinGen allele CA9381206.